The following is an entry in ClinVar:

ClinVar aggregate classification (germline): Likely pathogenic (1 of 4 stars; one submission).

Conditions:
Cardiomyopathy, dilated, with wooly hair, keratoderma, and tooth agenesis. Also called: Erythrokeratodermia-cardiomyopathy syndrome; Cardiomyopathy, dilated, with woolly hair, keratoderma, and tooth agenesis. Identifiers: Orphanet 476096, Orphanet 65282, MedGen C4014393, MONDO:0014355, OMIM 615821.
Arrhythmogenic right ventricular dysplasia 8 (ARVD8). Also called: ARRHYTHMOGENIC RIGHT VENTRICULAR CARDIOMYOPATHY 8; Arrhythmogenic Right Ventricular Dysplasia/Cardiomyopathy 8; ARRHYTHMOGENIC RIGHT VENTRICULAR DYSPLASIA, FAMILIAL, 8. Identifiers: MedGen C1843896, MONDO:0011831, OMIM 607450.
Keratosis palmoplantaris striata 2. Also called: Keratosis palmoplantaris striata II; KERATODERMA, PALMOPLANTAR, STRIATE FORM II; STRIATE PALMOPLANTAR KERATODERMA II. Identifiers: MedGen C1852127, MONDO:0013034, OMIM 612908.

Submission:

Molecular Genetics Department, Kulakov National Medical Research Center for Obstetrics, Gynecology and Perinatology
Classification: Likely pathogenic for Arrhythmogenic right ventricular dysplasia 8; Keratosis palmoplantaris striata 2; Cardiomyopathy, dilated, with wooly hair, keratoderma, and tooth agenesis. Review status: criteria provided, single submitter. Criteria: ACMG Guidelines, 2015. Collection method: clinical testing. Allele origin: germline. Affected: yes. Observed: 1 variant allele.
Comment: A previously undescribed heterozygous nucleotide variant creates a frameshift p.Leu1348Ter in the DSP gene. Heterozygous variants are reported in patients with arrhythmogenic right ventricular dysplasia 8, 607450; Dilated cardiomyopathy with woolly hair, keratoderma, and tooth agenesis, 615821; Keratosis palmoplantaris striata iI, 612908. The variant is not present in population database (gnomAD no frequency). In summary, the currently available evidence indicates that the variant is pathogenic, but additional data are needed to prove that conclusively. Therefore, this variant has been classified as likely pathogenic.

NM_004415.4(DSP):c.4042del (p.Glu1347_Leu1348insTer)

Gene: DSP (desmoplakin; plus strand). Cytogenetic location: 6p24.3.
Variant type: Deletion.
Coding change: c.4042del on transcript NM_004415.4 (MANE Select); coding-DNA position 4042, one base deleted (C; older notation c.4042delC).
Protein change: p.Glu1347_Leu1348insTer.
Molecular consequence: nonsense. On other transcripts: intron variant (1).
Genome position (GRCh38, 1-based): chr6:7,580,232, C deleted. VCF-style (leftmost placement, unchanged base first): chr6-7580231-AC-A. GRCh37 (hg19) VCF-style: chr6-7580464-AC-A.
Other names: c.4042del, p.Glu1347_Leu1348insTer (NM_001319034.2); c.3582+460del (NM_001008844.3).
Identifiers: ClinVar variation 4294461 (VCV004294461.1).
Genomic context (GRCh38, chr6:7,580,231, plus strand): 5'-CGAGAGACTCAAAGCTGAGTTTCAGGAGGAGGCCAAGCGCCGCTGGGAATATGAAAATGA[AC>A]TGAGTAAGGTAAGAAACAATTATGATGAGGAGATCATTAGCTTAAAAAATCAGTTTGAGA-3'